The following is an entry in ClinVar:

ClinVar aggregate classification (germline): Uncertain significance. Review status: criteria provided, multiple submitters, no conflicts (2 of 4 stars). 2 submissions from 2 submitters: Uncertain significance (2). Last evaluated 2021-12-01.

Submissions (2):

Blueprint Genetics
Classification: Uncertain significance. Last evaluated: 2021-12-01. Review status: criteria provided, single submitter. Criteria: ACMG Guidelines, 2015. Collection method: clinical testing. Allele origin: germline.

GeneDx
Classification: Uncertain significance. Last evaluated: 2020-06-29. Review status: criteria provided, single submitter. Criteria: GeneDx Variant Classification Process June 2021. Collection method: clinical testing. Allele origin: germline. Affected: yes.
Comment: Not observed in large population cohorts (Lek et al., 2016); Frameshift variant predicted to result in protein truncation or nonsense mediated decay in a gene for which loss-of-function is not a known mechanism of disease; Has not been previously published as pathogenic or benign to our knowledge

NM_003036.4(SKI):c.1447del (p.Glu483fs)

Gene: SKI (SKI proto-oncogene; plus strand). Cytogenetic location: 1p36.32.
Variant type: Deletion.
Coding change: c.1447del on transcript NM_003036.4 (MANE Select); coding-DNA position 1447, one base deleted (G; older notation c.1447delG).
Protein change: p.Glu483fs; shifts the reading frame from glutamic acid 483.
Molecular consequence: frameshift variant.
Genome position (GRCh38, 1-based): chr1:2,304,075, G deleted; the last of 2 consecutive G bases (chr1:2,304,074-2,304,075); deleting either gives the same sequence. VCF-style (leftmost placement, unchanged base first): chr1-2304073-CG-C. GRCh37 (hg19) VCF-style: chr1-2235512-CG-C.
Other names: short protein forms E483fs.
Identifiers: ClinVar variation 450070 (VCV000450070.5), dbSNP rs1553200934, ClinGen allele CA658656491.